The following is an entry in ClinVar:

NM_000545.8(HNF1A):c.319C>A (p.Leu107Ile)

Gene: HNF1A (HNF1 homeobox A; plus strand). Cytogenetic location: 12q24.31.
Variant type: single nucleotide variant.
Coding change: c.319C>A on transcript NM_000545.8 (MANE Select); coding-DNA position 319, C replaced by A.
Protein change: p.Leu107Ile; replaces leucine 107 with isoleucine.
Molecular consequence: missense variant.
Genome position (GRCh38, 1-based): chr12:120,979,087, C>A. VCF-style: chr12-120979087-C-A. GRCh37 (hg19) VCF-style: chr12-121416890-C-A.
Other names: NM_001306179.2:c.319C>A; c.319C>A, p.Leu107Ile (NM_001306179.2); short protein forms L107I.
Identifiers: ClinVar variation 1327593 (VCV001327593.4), dbSNP rs2135820404, ClinGen allele CA386954869.

ClinVar aggregate classification (germline): Pathogenic (3 of 4 stars; one submission).

Conditions:
Monogenic diabetes. Identifiers: Orphanet 183625, MedGen C3888631, MONDO:0015967.

Submission:

ClinGen Monogenic Diabetes Variant Curation Expert Panel
Classification: Pathogenic for Monogenic diabetes. Last evaluated: 2025-07-16. Review status: reviewed by expert panel. Criteria: ClinGen Diabetes ACMG Specifications HNF1A V3.0.0. Collection method: curation. Allele origin: germline. Inheritance: Autosomal dominant inheritance.
Comment: The c.319C>A variant in the HNF1 homeobox A gene, HNF1A, causes an amino acid change of leucine to isoleucine at codon 107 (p.(Leu107Ile)) of NM_000545.8. This variant is located within the DNA binding domain (codons 107-174) of HNF1A, which is defined as critical for the protein’s function by the ClinGen MDEP (PM1_Supporting), and is predicted to be deleterious by computational evidence, with a REVEL score of 0.7509, which is greater than the MDEP threshold of 0.70 (PP3). Functional studies have also demonstrated the p.Leu107Ile protein has DNA binding below 40% of wild type, indicating that this variant impacts protein function (PMID:12488960). This variant is absent from gnomAD v4.1.0 (PM2_Supporting). This variant was identified in two unrelated individuals with non-autoimmune and non-absolute/near-absolute insulin-deficient diabetes; however, PS4_Moderate cannot be applied because this number is below the ClinGen MDEP threshold (PMID: 10447526, internal lab contributors). One of these individuals did have a clinical history highly specific for HNF1A-monogenic diabetes (MODY probability calculator result >50%, negative genetic testing for HNF4A, and negative antibody) (PP4_Moderate; internal lab contributors). Additionally, this variant segregated with diabetes with eight informative meioses in one family (PP1_Strong; PMID:10447526). Taken together, this evidence supports the classification of c.319C>A as pathogenic for monogenic diabetes. ACMG/AMP criteria applied, as specified by the ClinGen MDEP VCEP (specification version 3.0.0, approved 8/11/2023): PP1_Strong, PP4_Moderate, PP3, PM1_Supporting, PM2_Supporting, PS3_Supporting.

Literature cited by the submitters: PubMed 12488960; PubMed 10447526.